The following is an entry in ClinVar:

NM_001429.4(EP300):c.5262A>G (p.Ser1754=)

Gene: EP300 (E1A binding protein p300; plus strand). Cytogenetic location: 22q13.2.
Variant type: single nucleotide variant.
Coding change: c.5262A>G on transcript NM_001429.4 (MANE Select); coding-DNA position 5262, A replaced by G.
Protein change: p.Ser1754=; no amino-acid change (serine 1754 retained).
Molecular consequence: synonymous variant.
Genome position (GRCh38, 1-based): chr22:41,176,973, A>G. VCF-style: chr22-41176973-A-G. GRCh37 (hg19) VCF-style: chr22-41572977-A-G.
Other names: c.5184A>G, p.Ser1728= (NM_001362843.2).
Identifiers: ClinVar variation 3350789 (VCV003350789.1), dbSNP rs886057565.
Genomic context (GRCh38, chr22:41,176,973, plus strand): 5'-TATCCAGCGCTGCATCCAGTCTCTGGTCCATGCTTGCCAGTGTCGGAATGCCAATTGCTC[A>G]CTGCCATCCTGCCAGAAGATGAAGCGGGTTGTGCAGCATACCAAGGGTTGCAAACGGAAA-3'
Protein context (NP_001420.2, residues 1744-1764): HACQCRNANC[Ser1754=]LPSCQKMKRV

ClinVar aggregate classification (germline): Likely benign (0 of 4 stars; one submission).

Conditions:
EP300-related disorder. Also called: EP300-related disorders; EP300-related condition.

gnomAD v4.1: 13 of 1,614,166 alleles (0.00081%); highest among the groups gnomAD compares: Non-Finnish European, 0.0011%; no homozygotes.

Submission:

PreventionGenetics, part of Exact Sciences
Classification: Likely benign for EP300-related condition. Last evaluated: 2019-07-23. Review status: no assertion criteria provided. Collection method: clinical testing. Allele origin: germline.
Comment: This variant is classified as likely benign based on ACMG/AMP sequence variant interpretation guidelines (Richards et al. 2015 PMID: 25741868, with internal and published modifications).